The following is an entry in ClinVar:

NM_020975.6(RET):c.2608-147C>T

Gene: RET (ret proto-oncogene; plus strand). Cytogenetic location: 10q11.21.
Variant type: single nucleotide variant.
Coding change: c.2608-147C>T on transcript NM_020975.6 (MANE Select); 147 bases into the intron before coding-DNA position 2608, C replaced by T.
Molecular consequence: intron variant.
Genome position (GRCh38, 1-based): chr10:43,119,934, C>T. VCF-style: chr10-43119934-C-T. GRCh37 (hg19) VCF-style: chr10-43615382-C-T.
Other names: c.2608-147C>T (NM_020630.7, NM_001406743.1, NM_001406744.1 and 2 more transcripts); c.2473-147C>T (NM_001406765.1, NM_001406763.1); c.2212-147C>T (NM_001406772.1, NM_001406769.1); c.2170-147C>T (NM_001406773.1, NM_001406771.1); c.1711-147C>T (NM_001406782.1, NM_001406780.1, NM_001406779.1 and 1 more transcripts); c.1576-147C>T (NM_001406787.1); c.1591-147C>T (NM_001406785.1); c.2479-147C>T (NM_001406764.1, NM_001406762.1, NM_001406761.1); and 10 more.
Identifiers: ClinVar variation 677058 (VCV000677058.5), dbSNP rs11238441, ClinGen allele CA13264953.
Genomic context (GRCh38, chr10:43,119,934, plus strand): 5'-CCATGGCATGCCATGCTATGGCTCACCACGCCCCTGCCATGTCACACCCTGACTCCACCA[C>T]GCCCCTGCCATGCCACACCCCCGGCCCAGGTCTCACCAGGCCGCTACCCGGGCCACACAC-3'

ClinVar aggregate classification (germline): Benign. Review status: criteria provided, multiple submitters, no conflicts (2 of 4 stars). 2 submissions from 2 submitters: Benign (2). Last evaluated 2019-08-06.

Conditions:
Multiple endocrine neoplasia, type 2 (MEN2). Identifiers: Orphanet 653, MedGen C4048306, MONDO:0019003. Disease mechanism: gain of function.

Allele frequency attached by ClinVar (database versions not stated): 1000 Genomes Project 0.17173; gnomAD 0.17019 and 0.17296; 1000 Genomes Project 30x 0.17333; TOPMed 0.17339.
gnomAD v4.1: 240,231 of 1,308,454 alleles (18%); highest among the groups gnomAD compares: Admixed American, 31%; 23,998 homozygotes.

Submissions (2):

Genetics and Molecular Pathology, SA Pathology
Classification: Benign for Multiple endocrine neoplasia, type 2. Last evaluated: 2019-08-06. Review status: criteria provided, single submitter. Criteria: ACMG Guidelines, 2015. Collection method: clinical testing. Allele origin: germline. Inheritance: Autosomal dominant inheritance. Affected: yes.

GeneDx
Classification: Benign. Last evaluated: 2018-06-20. Review status: criteria provided, single submitter. Criteria: GeneDx Variant Classification (06012015). Collection method: clinical testing. Allele origin: germline. Affected: yes.
Comment: This variant is considered likely benign or benign based on one or more of the following criteria: it is a conservative change, it occurs at a poorly conserved position in the protein, it is predicted to be benign by multiple in silico algorithms, and/or has population frequency not consistent with disease.